The following is an entry in ClinVar:

ClinVar aggregate classification (germline): Uncertain significance (1 of 4 stars; one submission).

gnomAD v4.1: 2 of 1,614,220 alleles (0.00012%); no homozygotes.

Submission:

GeneDx
Classification: Uncertain significance. Last evaluated: 2023-11-19. Review status: criteria provided, single submitter. Criteria: GeneDx Variant Classification Process June 2021. Collection method: clinical testing. Allele origin: germline. Affected: yes.
Comment: Not observed at significant frequency in large population cohorts (gnomAD); In silico analysis supports that this missense variant does not alter protein structure/function; Has not been previously published as pathogenic or benign to our knowledge

NM_001378969.1(KCND3):c.1900G>A (p.Ala634Thr)

Gene: KCND3 (potassium voltage-gated channel subfamily D member 3; minus strand). Cytogenetic location: 1p13.2.
Variant type: single nucleotide variant.
Coding change: c.1900G>A on transcript NM_001378969.1 (MANE Select); coding-DNA position 1900, G replaced by A.
Protein change: p.Ala634Thr; replaces alanine 634 with threonine.
Molecular consequence: missense variant.
Genome position (GRCh38, 1-based): chr1:111,776,145, C>T on the plus strand (G>A on the coding strand, the complement: KCND3 is on the minus strand). VCF-style: chr1-111776145-C-T. GRCh37 (hg19) VCF-style: chr1-112318767-C-T.
Other names: c.1843G>A, p.Ala615Thr (NM_001378970.1, NM_172198.3); c.1900G>A, p.Ala634Thr (NM_004980.5); short protein forms A615T, A634T.
Identifiers: ClinVar variation 3363913 (VCV003363913.1).